The following is an entry in ClinVar:

ClinVar aggregate classification (germline): Likely benign (1 of 4 stars; one submission).

Allele frequency attached by ClinVar (database versions not stated): ESP Exome Variant Server 0.00008; gnomAD 0.00024; TOPMed 0.00024; ExAC 0.00039; gnomAD exomes 0.00039.
gnomAD v4.1: 595 of 1,608,092 alleles (0.037%); highest among the groups gnomAD compares: Non-Finnish European, 0.046%; no homozygotes.

Submission:

CeGaT Center for Human Genetics Tuebingen
Classification: Likely benign. Last evaluated: 2022-06-01. Review status: criteria provided, single submitter. Criteria: CeGaT Center For Human Genetics Tuebingen Variant Classification Criteria Version 2. Collection method: clinical testing. Allele origin: germline. Affected: yes. Observed: 1 variant allele.
Comment: PTPRF: BP4, BP7

NM_002840.5(PTPRF):c.1944G>A (p.Ala648=)

Gene: PTPRF (protein tyrosine phosphatase receptor type F; plus strand). Cytogenetic location: 1p34.2.
Variant type: single nucleotide variant.
Coding change: c.1944G>A on transcript NM_002840.5 (MANE Select); coding-DNA position 1944, G replaced by A.
Protein change: p.Ala648=; no amino-acid change (alanine 648 retained).
Molecular consequence: synonymous variant. On other transcripts: intron variant (4).
Genome position (GRCh38, 1-based): chr1:43,597,878, G>A. VCF-style: chr1-43597878-G-A. GRCh37 (hg19) VCF-style: chr1-44063549-G-A.
Other names: c.1944G>A, p.Ala648= (NM_130440.4); c.1844-842G>A (NM_001329138.2); c.1832-842G>A (NM_001329137.2); c.1814-842G>A (NM_001329139.2, NM_001329140.2).
Identifiers: ClinVar variation 2638759 (VCV002638759.24), dbSNP rs376955084, ClinGen allele CA812319.